The following is an entry in ClinVar:

NM_000257.4(MYH7):c.2606G>T (p.Arg869Leu)

Genes: MYH7 (myosin heavy chain 7; minus strand), LOC126861898 (BRD4-independent group 4 enhancer GRCh37_chr14:23893609-23894808; plus strand). Cytogenetic location: 14q11.2.
Variant type: single nucleotide variant.
Coding change: c.2606G>T on transcript NM_000257.4 (MANE Select); coding-DNA position 2606, G replaced by T.
Protein change: p.Arg869Leu; replaces arginine 869 with leucine.
Molecular consequence: missense variant.
Genome position (GRCh38, 1-based): chr14:23,424,842, C>A on the plus strand (G>T on the coding strand, the complement: MYH7 is on the minus strand). VCF-style: chr14-23424842-C-A. GRCh37 (hg19) VCF-style: chr14-23894051-C-A.
Other names: c.2606G>T, p.Arg869Leu (NM_001407004.1); short protein forms R869L.
Identifiers: ClinVar variation 3721465 (VCV003721465.2).

ClinVar aggregate classification (germline): Uncertain significance (1 of 4 stars; one submission).

Conditions:
Hypertrophic cardiomyopathy. Also called: HYPERTROPHIC MYOCARDIOPATHY. Identifiers: Orphanet 217569, MedGen C0007194, MeSH D002312, MONDO:0005045, HP:0001639.

Submission:

Labcorp Genetics (formerly Invitae), Labcorp
Classification: Uncertain significance for Hypertrophic cardiomyopathy. Last evaluated: 2024-11-30. Review status: criteria provided, single submitter. Criteria: Invitae Variant Classification Sherloc (09022015). Collection method: clinical testing. Allele origin: germline.
Comment: This sequence change replaces arginine, which is basic and polar, with leucine, which is neutral and non-polar, at codon 869 of the MYH7 protein (p.Arg869Leu). This variant is not present in population databases (gnomAD no frequency). This missense change has been observed in individual(s) with hypertrophic cardiomyopathy (PMID: 27532257, 37652022). Invitae Evidence Modeling of protein sequence and biophysical properties (such as structural, functional, and spatial information, amino acid conservation, physicochemical variation, residue mobility, and thermodynamic stability) indicates that this missense variant is expected to disrupt MYH7 protein function with a positive predictive value of 80%. This variant disrupts the p.Arg869 amino acid residue in MYH7. Other variant(s) that disrupt this residue have been determined to be pathogenic (PMID: 17180650, 20359594, 23674513, 24093860, 25078086). This suggests that this residue is clinically significant, and that variants that disrupt this residue are likely to be disease-causing. In summary, the available evidence is currently insufficient to determine the role of this variant in disease. Therefore, it has been classified as a Variant of Uncertain Significance.

Literature cited by the submitters: PubMed 27532257; PubMed 37652022; PubMed 17180650; PubMed 20359594; PubMed 23674513; PubMed 24093860; PubMed 25078086.